The following is an entry in ClinVar:

NM_000051.4(ATM):c.2550G>A (p.Glu850=)

Gene: ATM (ATM serine/threonine kinase; plus strand). Cytogenetic location: 11q22.3.
Variant type: single nucleotide variant.
Coding change: c.2550G>A on transcript NM_000051.4 (MANE Select); coding-DNA position 2550, G replaced by A.
Protein change: p.Glu850=; no amino-acid change (glutamic acid 850 retained).
Molecular consequence: synonymous variant.
Genome position (GRCh38, 1-based): chr11:108,267,254, G>A. VCF-style: chr11-108267254-G-A. GRCh37 (hg19) VCF-style: chr11-108137981-G-A.
Other names: c.2550G>A, p.Glu850= (NM_001351834.2).
Identifiers: ClinVar variation 524466 (VCV000524466.9), dbSNP rs1399925352, ClinGen allele CA476673613.

ClinVar aggregate classification (germline): Benign/Likely benign. Review status: criteria provided, multiple submitters, no conflicts (2 of 4 stars). 3 submissions from 3 submitters: Benign (1); Likely benign (2). Last evaluated 2025-08-30.

Conditions:
Hereditary cancer-predisposing syndrome. Also called: Neoplastic Syndromes, Hereditary; Tumor predisposition; Hereditary Cancer Syndrome; Hereditary neoplastic syndrome. Identifiers: Orphanet 140162, MedGen C0027672, MeSH D009386, MONDO:0015356.
Familial cancer of breast. Also called: hereditary breast carcinoma; BREAST CANCER, FAMILIAL; Hereditary breast cancer. Identifiers: Orphanet 227535, MedGen C0346153, MONDO:0016419, OMIM 114480. Disease mechanism: loss of function.
Ataxia-telangiectasia syndrome (AT). Also called: ATAXIA-TELANGIECTASIA, COMPLEMENTATION GROUP A; ATAXIA-TELANGIECTASIA, FRESNO VARIANT; Ataxia-telangiectasia; Ataxia-telangiectasia, complementation group D; AT, COMPLEMENTATION GROUP C; Ataxia-telangiectasia, complementation group E. Identifiers: Orphanet 100, MedGen C0004135, MONDO:0008840, OMIM 208900.

Allele frequency attached by ClinVar (database versions not stated): gnomAD exomes 0.00001; TOPMed below 0.00001.
gnomAD v4.1: 9 of 1,614,038 alleles (0.00056%); highest among the groups gnomAD compares: Non-Finnish European, 0.00076%; no homozygotes.

Submissions (3):

Ambry Genetics
Classification: Likely benign for Hereditary cancer-predisposing syndrome. Last evaluated: 2025-08-30. Review status: criteria provided, single submitter. Criteria: Ambry Variant Classification Scheme 2023. Collection method: clinical testing. Allele origin: germline.

Myriad Genetics, Inc.
Classification: Benign for Familial cancer of breast. Last evaluated: 2024-05-09. Review status: criteria provided, single submitter. Criteria: Myriad Autosomal Dominant, Autosomal Recessive and X-Linked Classification Criteria (2023). Collection method: clinical testing. Allele origin: unknown.
Comment: This variant is considered benign. This variant is a silent/synonymous amino acid change and it is not expected to impact splicing.

Labcorp Genetics (formerly Invitae), Labcorp
Classification: Likely benign for Ataxia-telangiectasia syndrome. Last evaluated: 2017-08-15. Review status: criteria provided, single submitter. Criteria: Invitae Variant Classification Sherloc (09022015). Collection method: clinical testing. Allele origin: germline.